The following is an entry in ClinVar:

ClinVar aggregate classification (germline): Uncertain significance (1 of 4 stars; one submission).

Conditions:
Cardiovascular phenotype. Identifiers: MedGen CN230736.

Submission:

Ambry Genetics
Classification: Uncertain significance for Cardiovascular phenotype. Last evaluated: 2024-06-17. Review status: criteria provided, single submitter. Criteria: Ambry Variant Classification Scheme 2023. Collection method: clinical testing. Allele origin: germline.
Comment: The p.P1877R variant (also known as c.5630C>G), located in coding exon 27 of the SCN10A gene, results from a C to G substitution at nucleotide position 5630. The proline at codon 1877 is replaced by arginine, an amino acid with dissimilar properties. This amino acid position is conserved. In addition, this alteration is predicted to be tolerated by in silico analysis. Based on the available evidence, the clinical significance of this variant remains unclear.

NM_006514.4(SCN10A):c.5630C>G (p.Pro1877Arg)

Gene: SCN10A (sodium voltage-gated channel alpha subunit 10; minus strand). Cytogenetic location: 3p22.2.
Variant type: single nucleotide variant.
Coding change: c.5630C>G on transcript NM_006514.4 (MANE Select); coding-DNA position 5630, C replaced by G.
Protein change: p.Pro1877Arg; replaces proline 1877 with arginine.
Molecular consequence: missense variant.
Genome position (GRCh38, 1-based): chr3:38,697,590, G>C on the plus strand (C>G on the coding strand, the complement: SCN10A is on the minus strand). VCF-style: chr3-38697590-G-C. GRCh37 (hg19) VCF-style: chr3-38739081-G-C.
Other names: c.5627C>G, p.Pro1876Arg (NM_001293306.2); c.5336C>G, p.Pro1779Arg (NM_001293307.2); short protein forms P1876R, P1779R, P1877R.
Identifiers: ClinVar variation 3316533 (VCV003316533.1).